The following is an entry in ClinVar:

ClinVar aggregate classification (germline): Uncertain significance. Review status: criteria provided, multiple submitters, no conflicts (2 of 4 stars). 2 submissions from 2 submitters: Uncertain significance (2). Last evaluated 2025-05-26.

Conditions:
Cardiovascular phenotype. Identifiers: MedGen CN230736.
Progressive familial heart block type IB (PFHB1B). Identifiers: Orphanet 871, MedGen C1970298, MONDO:0011474, OMIM 604559.

Allele frequency attached by ClinVar (database versions not stated): ExAC 0.00001; gnomAD exomes 0.00001.
gnomAD v4.1: 4 of 1,610,618 alleles (0.00025%); highest among the groups gnomAD compares: Admixed American, 0.0067%; no homozygotes.

Submissions (2):

Labcorp Genetics (formerly Invitae), Labcorp
Classification: Uncertain significance for Progressive familial heart block type IB. Last evaluated: 2025-05-26. Review status: criteria provided, single submitter. Criteria: Invitae Variant Classification Sherloc (09022015). Collection method: clinical testing. Allele origin: germline.
Comment: This sequence change replaces glutamic acid, which is acidic and polar, with aspartic acid, which is acidic and polar, at codon 345 of the TRPM4 protein (p.Glu345Asp). This variant is present in population databases (rs774730420, gnomAD 0.006%). This variant has not been reported in the literature in individuals affected with TRPM4-related conditions. ClinVar contains an entry for this variant (Variation ID: 1040361). An algorithm developed to predict the effect of missense changes on protein structure and function (PolyPhen-2) suggests that this variant is likely to be tolerated. In summary, the available evidence is currently insufficient to determine the role of this variant in disease. Therefore, it has been classified as a Variant of Uncertain Significance.

Ambry Genetics
Classification: Uncertain significance for Cardiovascular phenotype. Last evaluated: 2023-09-24. Review status: criteria provided, single submitter. Criteria: Ambry Variant Classification Scheme 2023. Collection method: clinical testing. Allele origin: germline.
Comment: The p.E345D variant (also known as c.1035G>T), located in coding exon 8 of the TRPM4 gene, results from a G to T substitution at nucleotide position 1035. The glutamic acid at codon 345 is replaced by aspartic acid, an amino acid with highly similar properties. This amino acid position is conserved. In addition, this alteration is predicted to be tolerated by in silico analysis. Since supporting evidence is limited at this time, the clinical significance of this alteration remains unclear.

NM_017636.4(TRPM4):c.1035G>T (p.Glu345Asp)

Gene: TRPM4 (transient receptor potential cation channel subfamily M member 4; plus strand). Cytogenetic location: 19q13.33.
Variant type: single nucleotide variant.
Coding change: c.1035G>T on transcript NM_017636.4 (MANE Select); coding-DNA position 1035, G replaced by T.
Protein change: p.Glu345Asp; replaces glutamic acid 345 with aspartic acid.
Molecular consequence: missense variant. On other transcripts: 5 prime UTR variant (1).
Genome position (GRCh38, 1-based): chr19:49,171,754, G>T. VCF-style: chr19-49171754-G-T. GRCh37 (hg19) VCF-style: chr19-49675011-G-T.
Other names: c.1035G>T, p.Glu345Asp (NM_001195227.2); c.690G>T, p.Glu230Asp (NM_001321281.2); c.-519G>T (NM_001321282.2); c.513G>T, p.Glu171Asp (NM_001321283.2); c.186G>T, p.Glu62Asp (NM_001321285.2); c.1035G>T (NM_017636.3); short protein forms E171D, E62D, E230D, E345D.
Identifiers: ClinVar variation 1040361 (VCV001040361.9), dbSNP rs774730420, ClinGen allele CA9569044.